The following is an entry in ClinVar:

NM_001369268.1(ACAN):c.6961C>T (p.Leu2321Phe)

Gene: ACAN (aggrecan; plus strand). Cytogenetic location: 15q26.1.
Variant type: single nucleotide variant.
Coding change: c.6961C>T on transcript NM_001369268.1 (MANE Select); coding-DNA position 6961, C replaced by T.
Protein change: p.Leu2321Phe; replaces leucine 2321 with phenylalanine.
Molecular consequence: missense variant. On other transcripts: intron variant (3).
Genome position (GRCh38, 1-based): chr15:88,868,230, C>T. VCF-style: chr15-88868230-C-T. GRCh37 (hg19) VCF-style: chr15-89411461-C-T.
Other names: c.6847C>T, p.Leu2283Phe (NM_001411097.1); c.6947-3152C>T (NM_013227.4); c.6833-3152C>T (NM_001411096.1, NM_001135.4); short protein forms L2283F, L2321F.
Identifiers: ClinVar variation 4874927 (VCV004874927.2).

ClinVar aggregate classification (germline): Uncertain significance (1 of 4 stars; one submission).

gnomAD v4.1: 1 of 702,624 alleles (0.00014%); highest among the groups gnomAD compares: Non-Finnish European, 0.00026%; no homozygotes.

Submission:

CeGaT Center for Human Genetics Tuebingen
Classification: Uncertain significance. Last evaluated: 2026-05-01. Review status: criteria provided, single submitter. Criteria: CeGaT Center For Human Genetics Tuebingen Variant Classification Criteria Version 2. Collection method: clinical testing. Allele origin: germline. Affected: yes. Observed: 1 variant allele.
Comment: ACAN: PM2